The following is an entry in ClinVar:

ClinVar aggregate classification (germline): Likely benign (1 of 4 stars; one submission).

gnomAD v4.1: 218 of 1,606,002 alleles (0.014%); highest among the groups gnomAD compares: African/African-American, 0.17%; no homozygotes.

Submission:

CeGaT Center for Human Genetics Tuebingen
Classification: Likely benign. Last evaluated: 2026-07-01. Review status: criteria provided, single submitter. Criteria: CeGaT Center For Human Genetics Tuebingen Variant Classification Criteria Version 2. Collection method: clinical testing. Allele origin: germline. Affected: yes. Observed: 1 variant allele.
Comment: ENOSF1: BP4, BP7

NM_017512.7(ENOSF1):c.1236C>T (p.Pro412=)

Gene: ENOSF1 (enolase superfamily member 1; minus strand). Cytogenetic location: 18p11.32.
Variant type: single nucleotide variant.
Coding change: c.1236C>T on transcript NM_017512.7 (MANE Select); coding-DNA position 1236, C replaced by T.
Protein change: p.Pro412=; no amino-acid change (proline 412 retained).
Molecular consequence: synonymous variant. On other transcripts: non-coding transcript variant (7).
Genome position (GRCh38, 1-based): chr18:674,401, G>A on the plus strand (C>T on the coding strand, the complement: ENOSF1 is on the minus strand). VCF-style: chr18-674401-G-A. GRCh37 (hg19) VCF-style: chr18-674401-G-A.
Other names: c.1194C>T, p.Pro398= (NM_001354066.2); c.1380C>T, p.Pro460= (NM_001354067.2); c.1149C>T, p.Pro383= (NM_001354068.2); c.1251C>T, p.Pro417= (NM_001439136.1); c.1008C>T, p.Pro336= (NM_001439137.1); c.1338C>T, p.Pro446= (NM_202758.5); c.693C>T, p.Pro231= (NM_001318760.2); c.990C>T, p.Pro330= (NM_001354065.2).
Identifiers: ClinVar variation 5038788 (VCV005038788.1).